The following is an entry in ClinVar:

ClinVar aggregate classification (germline): Uncertain significance (1 of 4 stars; one submission).

Submission:

Greenwood Genetic Center Diagnostic Laboratories, Greenwood Genetic Center
Classification: Uncertain significance. Last evaluated: 2023-06-30. Review status: criteria provided, single submitter. Criteria: ACMG Guidelines, 2015. Collection method: clinical testing. Allele origin: germline. Affected: yes.
Comment: Gene of Uncertain Significance

NM_024007.5(EBF1):c.625C>T (p.Arg209Trp)

Gene: EBF1 (EBF transcription factor 1; minus strand). Cytogenetic location: 5q33.3.
Variant type: single nucleotide variant.
Coding change: c.625C>T on transcript NM_024007.5 (MANE Select); coding-DNA position 625, C replaced by T.
Protein change: p.Arg209Trp; replaces arginine 209 with tryptophan.
Molecular consequence: missense variant.
Genome position (GRCh38, 1-based): chr5:158,840,040, G>A on the plus strand (C>T on the coding strand, the complement: EBF1 is on the minus strand). VCF-style: chr5-158840040-G-A. GRCh37 (hg19) VCF-style: chr5-158267048-G-A.
Other names: c.625C>T, p.Arg209Trp (NM_001290360.3, NM_001324101.2, NM_001324103.2 and 5 more transcripts); c.226C>T, p.Arg76Trp (NM_001324111.2, NM_001364158.2, NM_001364159.2); c.511C>T, p.Arg171Trp (NM_001364156.2, NM_001364157.2); c.556C>T, p.Arg186Trp (NM_182708.3); short protein forms R171W, R186W, R209W, R76W.
Identifiers: ClinVar variation 2572316 (VCV002572316.1), dbSNP rs749897481, ClinGen allele CA362015281.